The following is an entry in ClinVar:

ClinVar aggregate classification (germline): Uncertain significance (1 of 4 stars; one submission).

Conditions:
Hypertrophic cardiomyopathy 2. Also called: TNNT2-Related Familial Hypertrophic Cardiomyopathy. Identifiers: MedGen C1861864, MONDO:0007266, OMIM 115195.
Dilated cardiomyopathy 1D. Identifiers: Orphanet 154, Orphanet 54260, MedGen C1832243, MONDO:0011095, OMIM 601494.
Cardiomyopathy, familial restrictive, 3. Identifiers: Orphanet 75249, MedGen C2676271, MONDO:0012900, OMIM 612422.

Submission:

Labcorp Genetics (formerly Invitae), Labcorp
Classification: Uncertain significance for Cardiomyopathy, familial restrictive, 3; Hypertrophic cardiomyopathy 2; Dilated cardiomyopathy 1D. Last evaluated: 2018-11-08. Review status: criteria provided, single submitter. Criteria: Invitae Variant Classification Sherloc (09022015). Collection method: clinical testing. Allele origin: germline.
Comment: This sequence change falls in intron 11 of the TNNT2 gene. It does not directly change the encoded amino acid sequence of the TNNT2 protein, but it affects a nucleotide within the consensus splice site of the intron. This variant is not present in population databases (ExAC no frequency). This variant has not been reported in the literature in individuals with TNNT2-related disease. Nucleotide substitutions within the consensus splice site are a relatively common cause of aberrant splicing (PMID: 17576681, 9536098). Algorithms developed to predict the effect of sequence changes on RNA splicing suggest that this variant may disrupt the consensus splice site, but this prediction has not been confirmed by published transcriptional studies. In summary, the available evidence is currently insufficient to determine the role of this variant in disease. Therefore, it has been classified as a Variant of Uncertain Significance.

Literature cited by the submitters: PubMed 17576681; PubMed 9536098.

NM_001276345.2(TNNT2):c.600+5G>A

Gene: TNNT2 (troponin T2, cardiac type; minus strand). Cytogenetic location: 1q32.1.
Variant type: single nucleotide variant.
Coding change: c.600+5G>A on transcript NM_001276345.2 (MANE Select); 5 bases into the intron after coding-DNA position 600, G replaced by A.
Molecular consequence: intron variant.
Genome position (GRCh38, 1-based): chr1:201,363,291, C>T on the plus strand (G>A on the coding strand, the complement: TNNT2 is on the minus strand). VCF-style: chr1-201363291-C-T. GRCh37 (hg19) VCF-style: chr1-201332419-C-T.
Other names: c.555+5G>A (NM_001001432.3); c.570+5G>A (NM_001001431.3, NM_001001430.3, NM_001276347.2); c.480+5G>A (NM_001276346.2); c.600+5G>A (NM_000364.4).
Identifiers: ClinVar variation 642229 (VCV000642229.6), dbSNP rs1571614401, ClinGen allele CA915941975.